The following is an entry in ClinVar:

NM_053004.3(GNB1L):c.88G>A (p.Glu30Lys)

Gene: GNB1L (G protein subunit beta 1 like; minus strand). Cytogenetic location: 22q11.21.
Variant type: single nucleotide variant.
Coding change: c.88G>A on transcript NM_053004.3 (MANE Select); coding-DNA position 88, G replaced by A.
Protein change: p.Glu30Lys; replaces glutamic acid 30 with lysine.
Molecular consequence: missense variant.
Genome position (GRCh38, 1-based): chr22:19,821,268, C>T on the plus strand (G>A on the coding strand, the complement: GNB1L is on the minus strand). VCF-style: chr22-19821268-C-T. GRCh37 (hg19) VCF-style: chr22-19808791-C-T.
Other names: short protein forms E30K.
Identifiers: ClinVar variation 769144 (VCV000769144.7), dbSNP rs35178436, ClinGen allele CA10103299.

ClinVar aggregate classification (germline): Benign. Review status: criteria provided, multiple submitters, no conflicts (2 of 4 stars). 3 submissions from 3 submitters: Benign (2). 1 of the submissions does not count toward it. Last evaluated 2019-12-31.

Conditions:
GNB1L-related disorder. Also called: GNB1L-related condition.

Allele frequency attached by ClinVar (database versions not stated): gnomAD exomes 0.00445; ExAC 0.00564; 1000 Genomes Project 0.01777; gnomAD 0.01847 and 0.02017; 1000 Genomes Project 30x 0.01952; ESP Exome Variant Server 0.02053; TOPMed 0.02060.
gnomAD v4.1: 5,335 of 1,613,176 alleles (0.33%); highest among the groups gnomAD compares: African/African-American, 6.3%; 156 homozygotes.

Submissions (3):

Labcorp Genetics (formerly Invitae), Labcorp
Classification: Benign. Last evaluated: 2019-12-31. Review status: criteria provided, single submitter. Criteria: Invitae Variant Classification Sherloc (09022015). Collection method: clinical testing. Allele origin: germline.

Breakthrough Genomics
Classification: Benign. Review status: criteria provided, single submitter. Criteria: ACMG Guidelines, 2015. Collection method: not provided. Allele origin: germline. Inheritance: Unknown mechanism. Affected: yes.

PreventionGenetics, part of Exact Sciences
Classification: Benign for GNB1L-related condition. Last evaluated: 2019-02-21. Review status: no assertion criteria provided. Collection method: clinical testing. Allele origin: germline. Not counted in ClinVar's aggregate classification.
Comment: This variant is classified as benign based on ACMG/AMP sequence variant interpretation guidelines (Richards et al. 2015 PMID: 25741868, with internal and published modifications).